The following is an entry in ClinVar:

NM_000127.3(EXT1):c.2072G>A (p.Arg691His)

Gene: EXT1 (exostosin glycosyltransferase 1; minus strand). Cytogenetic location: 8q24.11.
Variant type: single nucleotide variant.
Coding change: c.2072G>A on transcript NM_000127.3 (MANE Select); coding-DNA position 2072, G replaced by A.
Protein change: p.Arg691His; replaces arginine 691 with histidine.
Molecular consequence: missense variant.
Genome position (GRCh38, 1-based): chr8:117,799,881, C>T on the plus strand (G>A on the coding strand, the complement: EXT1 is on the minus strand). VCF-style: chr8-117799881-C-T. GRCh37 (hg19) VCF-style: chr8-118812120-C-T.
Other names: short protein forms R691H.
Identifiers: ClinVar variation 802436 (VCV000802436.5), dbSNP rs746678682, ClinGen allele CA4853948.
Genomic context (GRCh38, chr8:117,799,881, plus strand): 5'-CAGCTGGCAAACGTATTCATGCAGCTCTGTCGCTGGGCAAAGTGGTCAGGGTCAGCCCAA[C>T]GGGAAGCCCGAGAAGTCTAGGGAGAAGGAGAGAAACAAGGATAATGATGAGAGAAGTGCA-3'
Protein context (NP_000118.2, residues 681-701): TMMGQTSRAS[Arg691His]WADPDHFAQR

ClinVar aggregate classification (germline): Uncertain significance. Review status: criteria provided, multiple submitters, no conflicts (2 of 4 stars). 3 submissions from 3 submitters: Uncertain significance (3). Last evaluated 2025-02-26.

Conditions:
Exostoses, multiple, type 1 (EXT1). Also called: EXOSTOSES, MULTIPLE, TYPE I; Hereditary Multiple Osteochondromatosis, Type I. Identifiers: MedGen CN263289, MONDO:0007585, OMIM 133700.
Chondrosarcoma. Also called: Chondrosarcoma, somatic. Identifiers: Orphanet 55880, MedGen C0008479, MONDO:0008977, OMIM 215300, HP:0006765.
Multiple congenital exostosis (EXT). Also called: Multiple osteochondromas; Multiple exostoses; Hereditary multiple exostoses; Hereditary multiple exostosis; MULTIPLE CARTILAGINOUS EXOSTOSES; Hereditary multiple osteochondromas. Identifiers: Orphanet 321, MedGen C0015306, MONDO:0005508, HP:0002762.

Allele frequency attached by ClinVar (database versions not stated): gnomAD exomes 0.00001 and 0.00002; TOPMed 0.00001; ExAC 0.00002.

Submissions (3):

Labcorp Genetics (formerly Invitae), Labcorp
Classification: Uncertain significance for Multiple congenital exostosis. Last evaluated: 2025-02-26. Review status: criteria provided, single submitter. Criteria: Invitae Variant Classification Sherloc (09022015). Collection method: clinical testing. Allele origin: germline.
Comment: This sequence change replaces arginine, which is basic and polar, with histidine, which is basic and polar, at codon 691 of the EXT1 protein (p.Arg691His). This variant is present in population databases (rs746678682, gnomAD 0.002%). This variant has not been reported in the literature in individuals affected with EXT1-related conditions. ClinVar contains an entry for this variant (Variation ID: 802436). Invitae Evidence Modeling of protein sequence and biophysical properties (such as structural, functional, and spatial information, amino acid conservation, physicochemical variation, residue mobility, and thermodynamic stability) has been performed for this missense variant. However, the output from this modeling did not meet the statistical confidence thresholds required to predict the impact of this variant on EXT1 protein function. In summary, the available evidence is currently insufficient to determine the role of this variant in disease. Therefore, it has been classified as a Variant of Uncertain Significance.

Baylor Genetics
Classification: Uncertain significance for Chondrosarcoma. Last evaluated: 2023-07-16. Review status: criteria provided, single submitter. Criteria: ACMG Guidelines, 2015. Collection method: clinical testing. Allele origin: unknown.

Mendelics
Classification: Uncertain significance for Exostoses, multiple, type 1. Last evaluated: 2019-05-28. Review status: criteria provided, single submitter. Criteria: Mendelics Assertion Criteria 2017. Collection method: clinical testing. Allele origin: unknown.